The following is an entry in ClinVar:

ClinVar aggregate classification (germline): Likely pathogenic (1 of 4 stars; one submission).

Submission:

Labcorp Genetics (formerly Invitae), Labcorp
Classification: Likely pathogenic. Last evaluated: 2023-09-23. Review status: criteria provided, single submitter. Criteria: Invitae Variant Classification Sherloc (09022015). Collection method: clinical testing. Allele origin: germline.
Comment: This variant results in a copy number gain of the genomic region encompassing exon(s) 26-38 of the NBAS gene. While the exact position of this variant cannot be determined from the data, sub-genic copy number gains are generally in tandem (PMID: 25640679). This variant is predicted to be out-of-frame, and may result in an absent or disrupted protein product. Loss-of-function variants in NBAS are known to be pathogenic (PMID: 26073778, 26541327, 27789416, 28031453). This variant has not been reported in the literature in individuals affected with NBAS-related conditions. In summary, the currently available evidence indicates that the variant is pathogenic, but additional data are needed to prove that conclusively. Therefore, this variant has been classified as Likely Pathogenic.

Literature cited by the submitters: PubMed 25640679; PubMed 26073778; PubMed 26541327; PubMed 27789416; PubMed 28031453.

NC_000002.11:g.(?_15467854)_(15542445_?)dup

Gene: NBAS (NBAS subunit of NRZ tethering complex; minus strand). Cytogenetic location: 2p24.3.
Variant type: Duplication.
Identifiers: ClinVar variation 1520555 (VCV001520555.5).